The following is an entry in ClinVar:

ClinVar aggregate classification (germline): Uncertain significance (1 of 4 stars; one submission).

Conditions:
ANKRD1-related dilated cardiomyopathy. Identifiers: MedGen CN119551.

Allele frequency attached by ClinVar (database versions not stated): gnomAD exomes 0.00001.
gnomAD v4.1: 3 of 1,614,202 alleles (0.00019%); highest among the groups gnomAD compares: Admixed American, 0.0017%; no homozygotes.

Submission:

Labcorp Genetics (formerly Invitae), Labcorp
Classification: Uncertain significance for ANKRD1-related dilated cardiomyopathy. Last evaluated: 2023-07-31. Review status: criteria provided, single submitter. Criteria: Invitae Variant Classification Sherloc (09022015). Collection method: clinical testing. Allele origin: germline.
Comment: This sequence change replaces tyrosine, which is neutral and polar, with cysteine, which is neutral and slightly polar, at codon 33 of the ANKRD1 protein (p.Tyr33Cys). This variant is present in population databases (no rsID available, gnomAD 0.003%). This variant has not been reported in the literature in individuals affected with ANKRD1-related conditions. An algorithm developed to predict the effect of missense changes on protein structure and function (PolyPhen-2) suggests that this variant is likely to be disruptive. In summary, the available evidence is currently insufficient to determine the role of this variant in disease. Therefore, it has been classified as a Variant of Uncertain Significance.

NM_014391.3(ANKRD1):c.98A>G (p.Tyr33Cys)

Gene: ANKRD1 (ankyrin repeat domain 1; minus strand). Cytogenetic location: 10q23.31.
Variant type: single nucleotide variant.
Coding change: c.98A>G on transcript NM_014391.3 (MANE Select); coding-DNA position 98, A replaced by G.
Protein change: p.Tyr33Cys; replaces tyrosine 33 with cysteine.
Molecular consequence: missense variant.
Genome position (GRCh38, 1-based): chr10:90,920,278, T>C on the plus strand (A>G on the coding strand, the complement: ANKRD1 is on the minus strand). VCF-style: chr10-90920278-T-C. GRCh37 (hg19) VCF-style: chr10-92680035-T-C.
Other names: short protein forms Y33C.
Identifiers: ClinVar variation 2849399 (VCV002849399.3), dbSNP rs1460361884, ClinGen allele CA377553940.
Genomic context (GRCh38, chr10:90,920,278, plus strand): 5'-ACAGGGTGGGCTAGAAGTGTCTTCAGATCCTCCTGCTTCTCTAAAGTAACAGCAGCTTCA[T>C]ACTCTCCATCTCTGAAATCCTCAGGAAGGAATTCCCCTGCCTCCCCATTGCCATTCTTCT-3'
Protein context (NP_055206.2, residues 23-43): FLPEDFRDGE[Tyr33Cys]EAAVTLEKQE